The following is an entry in ClinVar:

NM_053025.4(MYLK):c.2338G>C (p.Val780Leu)

Gene: MYLK (myosin light chain kinase; minus strand). Cytogenetic location: 3q21.1.
Variant type: single nucleotide variant.
Coding change: c.2338G>C on transcript NM_053025.4 (MANE Select); coding-DNA position 2338, G replaced by C.
Protein change: p.Val780Leu; replaces valine 780 with leucine.
Molecular consequence: missense variant.
Genome position (GRCh38, 1-based): chr3:123,707,806, C>G on the plus strand (G>C on the coding strand, the complement: MYLK is on the minus strand). VCF-style: chr3-123707806-C-G. GRCh37 (hg19) VCF-style: chr3-123426653-C-G.
Other names: c.1810G>C, p.Val604Leu (NM_001321309.2); c.2131G>C, p.Val711Leu (NM_053026.4, NM_053028.4); c.2338G>C, p.Val780Leu (NM_053027.4); short protein forms V604L, V711L, V780L.
Identifiers: ClinVar variation 929162 (VCV000929162.1), dbSNP rs2061520061, ClinGen allele CA354233758.

ClinVar aggregate classification (germline): Uncertain significance (1 of 4 stars; one submission).

Allele frequency attached by ClinVar (database versions not stated): gnomAD exomes below 0.00001.
gnomAD v4.1: 1 of 1,614,206 alleles (0.000062%); highest among the groups gnomAD compares: Middle Eastern, 0.016%; no homozygotes.

Submission:

Women's Health and Genetics/Laboratory Corporation of America, LabCorp
Classification: Uncertain significance. Last evaluated: 2019-10-29. Review status: criteria provided, single submitter. Criteria: LabCorp Variant Classification Summary - May 2015. Collection method: clinical testing. Allele origin: germline.
Comment: Variant summary: MYLK c.2338G>C (p.Val780Leu) results in a conservative amino acid change located in the Immunoglobulin subtype 2 domain (IPR003598) of the encoded protein sequence. Five of five in-silico tools predict a benign effect of the variant on protein function. The variant was absent in 251450 control chromosomes (gnomAD). The available data on variant occurrences in the general population are insufficient to allow any conclusion about variant significance. To our knowledge, no occurrence of c.2338G>C in individuals affected with Aortopathy and no experimental evidence demonstrating an impact on protein function have been reported. No clinical diagnostic laboratories have submitted clinical-significance assessments for this variant to ClinVar after 2014. Based on the evidence outlined above, the variant was classified as uncertain significance.